The following is an entry in ClinVar:

NM_002439.5(MSH3):c.1400A>T (p.His467Leu)

Gene: MSH3 (mutS homolog 3; plus strand). Cytogenetic location: 5q14.1.
Variant type: single nucleotide variant.
Coding change: c.1400A>T on transcript NM_002439.5 (MANE Select); coding-DNA position 1400, A replaced by T.
Protein change: p.His467Leu; replaces histidine 467 with leucine.
Molecular consequence: missense variant.
Genome position (GRCh38, 1-based): chr5:80,725,512, A>T. VCF-style: chr5-80725512-A-T. GRCh37 (hg19) VCF-style: chr5-80021331-A-T.
Other names: c.1400A>T (NM_002439.3); short protein forms H467L.
Identifiers: ClinVar variation 963126 (VCV000963126.10), dbSNP rs1316678832, ClinGen allele CA360273558.

ClinVar aggregate classification (germline): Uncertain significance. Review status: criteria provided, multiple submitters, no conflicts (2 of 4 stars). 2 submissions from 2 submitters: Uncertain significance (2). Last evaluated 2025-09-16.

Conditions:
Hereditary cancer-predisposing syndrome. Also called: Tumor predisposition; Hereditary neoplastic syndrome; Hereditary Cancer Syndrome; Neoplastic Syndromes, Hereditary. Identifiers: Orphanet 140162, MedGen C0027672, MeSH D009386, MONDO:0015356.

Allele frequency attached by ClinVar (database versions not stated): TOPMed below 0.00001.
gnomAD v4.1: 2 of 1,614,080 alleles (0.00012%); highest among the groups gnomAD compares: Non-Finnish European, 0.00017%; no homozygotes.

Submissions (2):

Labcorp Genetics (formerly Invitae), Labcorp
Classification: Uncertain significance. Last evaluated: 2025-09-16. Review status: criteria provided, single submitter. Criteria: Invitae Variant Classification Sherloc (09022015). Collection method: clinical testing. Allele origin: germline.
Comment: This sequence change replaces histidine, which is basic and polar, with leucine, which is neutral and non-polar, at codon 467 of the MSH3 protein (p.His467Leu). This variant is present in population databases (no rsID available, gnomAD 0.007%). This variant has not been reported in the literature in individuals affected with MSH3-related conditions. ClinVar contains an entry for this variant (Variation ID: 963126). An algorithm developed to predict the effect of missense changes on protein structure and function (PolyPhen-2) suggests that this variant is likely to be tolerated. In summary, the available evidence is currently insufficient to determine the role of this variant in disease. Therefore, it has been classified as a Variant of Uncertain Significance.

Ambry Genetics
Classification: Uncertain significance for Hereditary cancer-predisposing syndrome. Last evaluated: 2024-05-26. Review status: criteria provided, single submitter. Criteria: Ambry Variant Classification Scheme 2023. Collection method: clinical testing. Allele origin: germline.
Comment: The p.H467L variant (also known as c.1400A>T), located in coding exon 9 of the MSH3 gene, results from an A to T substitution at nucleotide position 1400. The histidine at codon 467 is replaced by leucine, an amino acid with similar properties. This amino acid position is conserved. In addition, the in silico prediction for this alteration is inconclusive. Based on the available evidence, the clinical significance of this variant remains unclear.